The following is an entry in ClinVar:

NM_001232.4(CASQ2):c.715G>T (p.Glu239Ter)

Gene: CASQ2 (calsequestrin 2; minus strand). Cytogenetic location: 1p13.1.
Variant type: single nucleotide variant.
Coding change: c.715G>T on transcript NM_001232.4 (MANE Select); coding-DNA position 715, G replaced by T.
Protein change: p.Glu239Ter; replaces glutamic acid 239 with a stop codon.
Molecular consequence: nonsense.
Genome position (GRCh38, 1-based): chr1:115,727,014, C>A on the plus strand (G>T on the coding strand, the complement: CASQ2 is on the minus strand). VCF-style: chr1-115727014-C-A. GRCh37 (hg19) VCF-style: chr1-116269635-C-A.
Other names: short protein forms E239*.
Identifiers: ClinVar variation 1757434 (VCV001757434.6), dbSNP rs1647617368, ClinGen allele CA341768662.

ClinVar aggregate classification (germline): Pathogenic/Likely pathogenic. Review status: criteria provided, multiple submitters, no conflicts (2 of 4 stars). 3 submissions from 3 submitters: Pathogenic (2); Likely pathogenic (1). Last evaluated 2024-06-05.

Conditions:
Catecholaminergic polymorphic ventricular tachycardia 1. Also called: VENTRICULAR TACHYCARDIA, CATECHOLAMINERGIC POLYMORPHIC, 1, WITH OR WITHOUT ATRIAL DYSFUNCTION AND/OR DILATED CARDIOMYOPATHY; VENTRICULAR TACHYCARDIA, STRESS-INDUCED POLYMORPHIC 1; RYR2-Related Catecholaminergic Polymorphic Ventricular Tachycardia. Identifiers: Orphanet 3286, MedGen C1631597, MONDO:0011484, OMIM 604772.
Catecholaminergic polymorphic ventricular tachycardia 2. Also called: VENTRICULAR TACHYCARDIA, STRESS-INDUCED POLYMORPHIC 2; CASQ2-Related Catecholaminergic Polymorphic Ventricular Tachycardia. Identifiers: Orphanet 3286, MedGen C2677794, MONDO:0012762, OMIM 611938.
Cardiovascular phenotype. Identifiers: MedGen CN230736.

Submissions (3):

Fulgent Genetics
Classification: Likely pathogenic for Catecholaminergic polymorphic ventricular tachycardia 2. Last evaluated: 2024-06-05. Review status: criteria provided, single submitter. Criteria: ACMG Guidelines, 2015. Collection method: clinical testing. Allele origin: germline.

Labcorp Genetics (formerly Invitae), Labcorp
Classification: Pathogenic for Catecholaminergic polymorphic ventricular tachycardia 1. Last evaluated: 2023-06-28. Review status: criteria provided, single submitter. Criteria: Invitae Variant Classification Sherloc (09022015). Collection method: clinical testing. Allele origin: germline.
Comment: For these reasons, this variant has been classified as Pathogenic. ClinVar contains an entry for this variant (Variation ID: 1757434). This variant has not been reported in the literature in individuals affected with CASQ2-related conditions. This variant is not present in population databases (gnomAD no frequency). This sequence change creates a premature translational stop signal (p.Glu239*) in the CASQ2 gene. It is expected to result in an absent or disrupted protein product. Loss-of-function variants in CASQ2 are known to be pathogenic (PMID: 12386154).

Ambry Genetics
Classification: Pathogenic for Cardiovascular phenotype. Last evaluated: 2018-10-08. Review status: criteria provided, single submitter. Criteria: Ambry Variant Classification Scheme 2023. Collection method: clinical testing. Allele origin: germline.
Comment: The p.E239* pathogenic mutation (also known as c.715G>T), located in coding exon 6 of the CASQ2 gene, results from a G to T substitution at nucleotide position 715. This changes the amino acid from a glutamic acid to a stop codon within coding exon 6. This alteration is expected to result in loss of function by premature protein truncation or nonsense-mediated mRNA decay. As such, this alteration is interpreted as a disease-causing mutation.

Literature cited by the submitters: PubMed 12386154 (cited by Labcorp Genetics (formerly Invitae), Labcorp).